The following is an entry in ClinVar:

ClinVar aggregate classification (germline): Conflicting classifications of pathogenicity. Review status: criteria provided, conflicting classifications (1 of 4 stars). 4 submissions from 4 submitters: Uncertain significance (1); Benign (1); Likely benign (2). Last evaluated 2025-12-31.

Conditions:
Ehlers-Danlos syndrome, classic type, 1 (EDSCL1). Also called: EHLERS-DANLOS SYNDROME, GRAVIS TYPE; EHLERS-DANLOS SYNDROME, SEVERE CLASSIC TYPE; EDS I; Ehlers-Danlos Syndrome, Classic Type, COL5A1-Related; Ehlers-Danlos syndrome, type 1. Identifiers: MedGen C0268335, MONDO:0019567, OMIM 130000.
Familial thoracic aortic aneurysm and aortic dissection (TAAD). Also called: Thoracic aortic aneurysms and dissections. Identifiers: Orphanet 91387, MedGen C4707243, MONDO:0019625.

Allele frequency attached by ClinVar (database versions not stated): gnomAD 0.00002 and 0.00006; gnomAD exomes 0.00002 and 0.00006; TOPMed 0.00003; ExAC 0.00009.
gnomAD v4.1: 44 of 1,613,908 alleles (0.0027%); highest among the groups gnomAD compares: South Asian, 0.027%; no homozygotes.

Submissions (4):

Labcorp Genetics (formerly Invitae), Labcorp
Classification: Likely benign for Ehlers-Danlos syndrome, classic type, 1. Last evaluated: 2025-12-31. Review status: criteria provided, single submitter. Criteria: Invitae Variant Classification Sherloc (09022015). Collection method: clinical testing. Allele origin: germline.

Mayo Clinic Laboratories, Mayo Clinic
Classification: Likely benign. Last evaluated: 2025-09-03. Review status: criteria provided, single submitter. Criteria: ACMG Guidelines, 2015. Collection method: clinical testing. Allele origin: germline. Observed: 1 variant allele.
Comment: BS1

Ambry Genetics
Classification: Benign for Familial thoracic aortic aneurysm and aortic dissection. Last evaluated: 2025-07-22. Review status: criteria provided, single submitter. Criteria: Ambry Variant Classification Scheme 2023. Collection method: clinical testing. Allele origin: germline.

GeneDx
Classification: Uncertain significance. Last evaluated: 2017-09-01. Review status: criteria provided, single submitter. Criteria: GeneDx Variant Classification (06012015). Collection method: clinical testing. Allele origin: germline. Affected: yes.
Comment: A variant of uncertain significance has been identified in the COL5A1 gene. The N176H variant has not been published as pathogenic or been reported as benign to our knowledge. N176H has been observed in 5/8,606 (0.06%) alleles form individuals of East Asian ancestry in the Exome Aggregation Consortium (Lek et al., 2016). The N176H variant is a semi-conservative amino acid substitution, which may impact secondary protein structure as these residues differ in some properties. Moreover, this substitution occurs at a position where only amino acids with similar properties to asparagine are tolerated across species. In silico analysis is inconsistent in its predictions as to whether or not the variant is damaging to the protein structure/function. Finally, the N176H variant does not affect a Glycine residue in a Gly-X-Y motif in the triple helical region of the COL5A1 gene, where the majority of pathogenic missense variants occur (Stenson et al., 2014; Symoens et al., 2012).

Literature cited by the submitters: PubMed 29177441 (cited by Mayo Clinic Laboratories, Mayo Clinic).

NM_000093.5(COL5A1):c.526A>C (p.Asn176His)

Gene: COL5A1 (collagen type V alpha 1 chain; plus strand). Cytogenetic location: 9q34.3.
Variant type: single nucleotide variant.
Coding change: c.526A>C on transcript NM_000093.5 (MANE Select); coding-DNA position 526, A replaced by C.
Protein change: p.Asn176His; replaces asparagine 176 with histidine.
Molecular consequence: missense variant.
Genome position (GRCh38, 1-based): chr9:134,701,205, A>C. VCF-style: chr9-134701205-A-C. GRCh37 (hg19) VCF-style: chr9-137593051-A-C.
Other names: p.Asn176His; c.526A>C, p.Asn176His (NM_001278074.1); short protein forms N176H.
Identifiers: ClinVar variation 451730 (VCV000451730.17), dbSNP rs369396868, ClinGen allele CA5318342.